The following is an entry in ClinVar:

NM_001385012.1(NBEA):c.7248C>T (p.Ser2416=)

Gene: NBEA (neurobeachin; plus strand). Cytogenetic location: 13q13.3.
Variant type: single nucleotide variant.
Coding change: c.7248C>T on transcript NM_001385012.1 (MANE Select); coding-DNA position 7248, C replaced by T.
Protein change: p.Ser2416=; no amino-acid change (serine 2416 retained).
Molecular consequence: synonymous variant.
Genome position (GRCh38, 1-based): chr13:35,593,399, C>T. VCF-style: chr13-35593399-C-T. GRCh37 (hg19) VCF-style: chr13-36167536-C-T.
Other names: c.627C>T, p.Ser209= (NM_001204197.3); c.7239C>T, p.Ser2413= (NM_001379245.1); c.7248C>T, p.Ser2416= (NM_015678.5).
Identifiers: ClinVar variation 4085030 (VCV004085030.8).

ClinVar aggregate classification (germline): Likely benign (1 of 4 stars; one submission).

gnomAD v4.1: 25 of 1,611,766 alleles (0.0016%); highest among the groups gnomAD compares: South Asian, 0.015%; no homozygotes.

Submission:

CeGaT Center for Human Genetics Tuebingen
Classification: Likely benign. Last evaluated: 2025-06-01. Review status: criteria provided, single submitter. Criteria: CeGaT Center For Human Genetics Tuebingen Variant Classification Criteria Version 2. Collection method: clinical testing. Allele origin: germline. Affected: yes. Observed: 1 variant allele.
Comment: NBEA: BP4, BP7